The following is an entry in ClinVar:

ClinVar aggregate classification (germline): Uncertain significance (1 of 4 stars; one submission).

Conditions:
Hypertrophic cardiomyopathy. Also called: HYPERTROPHIC MYOCARDIOPATHY. Identifiers: Orphanet 217569, MedGen C0007194, MeSH D002312, MONDO:0005045, HP:0001639.

Submission:

All of Us Research Program, National Institutes of Health
Classification: Uncertain significance for Hypertrophic cardiomyopathy. Last evaluated: 2023-06-08. Review status: criteria provided, single submitter. Criteria: ACMG Guidelines, 2015. Collection method: clinical testing. Allele origin: germline. Inheritance: Autosomal dominant inheritance. Observed: 1 variant allele, 1 heterozygote.
Comment: This missense variant replaces aspartic acid with glutamic acid at codon 26 of the ACTC1 protein. Computational prediction is inconclusive regarding the impact of this variant on protein structure and function (internally defined REVEL score threshold 0.5 < inconclusive < 0.7, PMID: 27666373). To our knowledge, functional studies have not been reported for this variant. This variant has not been reported in individuals affected with cardiovascular disorders in the literature. This variant has not been identified in the general population by the Genome Aggregation Database (gnomAD). The available evidence is insufficient to determine the role of this variant in disease conclusively. Therefore, this variant is classified as a Variant of Uncertain Significance.

This study involves interpretation of variants in research participants for the purpose of population health screening. Participant phenotype was not available at the time of variant classification. Additional details can be found in publication PMID: 35346344, PMCID: PMC8962531

NM_005159.5(ACTC1):c.78T>A (p.Asp26Glu)

Genes: ACTC1 (actin alpha cardiac muscle 1; minus strand), GJD2-DT (GJD2 divergent transcript; plus strand). Cytogenetic location: 15q14.
Variant type: single nucleotide variant.
Coding change: c.78T>A on transcript NM_005159.5 (MANE Select); coding-DNA position 78, T replaced by A.
Protein change: p.Asp26Glu; replaces aspartic acid 26 with glutamic acid.
Molecular consequence: missense variant.
Genome position (GRCh38, 1-based): chr15:34,794,731, A>T on the plus strand (T>A on the coding strand, the complement: ACTC1 is on the minus strand). VCF-style: chr15-34794731-A-T. GRCh37 (hg19) VCF-style: chr15-35086932-A-T.
Other names: c.78T>A, p.Asp26Glu (NM_001406482.1, NM_001406483.1); short protein forms D26E.
Identifiers: ClinVar variation 3075659 (VCV003075659.1), dbSNP rs1439528781, ClinGen allele CA391633210.
Genomic context (GRCh38, chr15:34,794,731, plus strand): 5'-GAAGTTTACCTGGTGCCGCGGGCGGCCCACGATGGACGGGAAGACAGCGCGGGGCGCGTC[A>T]TCGCCCGCAAAGCCGGCCTTCACCAGCCCAGAGCCGTTGTCGCACACCAGGGCGGTGGTC-3'
Protein context (NP_005150.1, residues 16-36): SGLVKAGFAG[Asp26Glu]DAPRAVFPSI